The following is an entry in ClinVar:

NM_001903.5(CTNNA1):c.651C>T (p.Asn217=)

Gene: CTNNA1 (catenin alpha 1; plus strand). Cytogenetic location: 5q31.2.
Variant type: single nucleotide variant.
Coding change: c.651C>T on transcript NM_001903.5 (MANE Select); coding-DNA position 651, C replaced by T.
Protein change: p.Asn217=; no amino-acid change (asparagine 217 retained).
Molecular consequence: synonymous variant.
Genome position (GRCh38, 1-based): chr5:138,824,592, C>T. VCF-style: chr5-138824592-C-T. GRCh37 (hg19) VCF-style: chr5-138160281-C-T.
Other names: c.651C>T, p.Asn217= (NM_001290307.3, NM_001323982.2, NM_001323983.1 and 3 more transcripts); c.342C>T, p.Asn114= (NM_001290309.3); c.282C>T, p.Asn94= (NM_001290310.3).
Identifiers: ClinVar variation 696400 (VCV000696400.17), dbSNP rs765015576, ClinGen allele CA3431516.

ClinVar aggregate classification (germline): Benign/Likely benign. Review status: criteria provided, multiple submitters, no conflicts (2 of 4 stars). 4 submissions from 4 submitters: Benign (2); Likely benign (2). Last evaluated 2026-01-26.

Conditions:
Hereditary diffuse gastric adenocarcinoma (HDGC). Also called: DIFFUSE GASTRIC AND LOBULAR BREAST CANCER SYNDROME. Identifiers: Orphanet 26106, MedGen C1708349, MONDO:0007648, OMIM 137215.
Hereditary cancer-predisposing syndrome. Also called: Tumor predisposition; Hereditary neoplastic syndrome; Hereditary Cancer Syndrome; Neoplastic Syndromes, Hereditary. Identifiers: Orphanet 140162, MedGen C0027672, MeSH D009386, MONDO:0015356.

Allele frequency attached by ClinVar (database versions not stated): gnomAD 0.00001; TOPMed 0.00001; gnomAD exomes 0.00002 and 0.00005; ExAC 0.00007.
gnomAD v4.1: 36 of 1,614,098 alleles (0.0022%); highest among the groups gnomAD compares: South Asian, 0.016%; 1 homozygote.

Submissions (4):

Labcorp Genetics (formerly Invitae), Labcorp
Classification: Likely benign. Last evaluated: 2026-01-26. Review status: criteria provided, single submitter. Criteria: Invitae Variant Classification Sherloc (09022015). Collection method: clinical testing. Allele origin: germline.

Blueprint Genetics
Classification: Benign. Last evaluated: 2024-10-11. Review status: criteria provided, single submitter. Criteria: ACMG Guidelines, 2015. Collection method: clinical testing. Allele origin: germline.

Myriad Genetics, Inc.
Classification: Benign for Hereditary diffuse gastric adenocarcinoma. Last evaluated: 2024-10-10. Review status: criteria provided, single submitter. Criteria: Myriad Autosomal Dominant, Autosomal Recessive and X-Linked Classification Criteria (2023). Collection method: clinical testing. Allele origin: unknown.
Comment: This variant is considered benign. This variant is a silent/synonymous amino acid change and it is not expected to impact splicing.

Ambry Genetics
Classification: Likely benign for Hereditary cancer-predisposing syndrome. Last evaluated: 2019-08-15. Review status: criteria provided, single submitter. Criteria: Ambry Variant Classification Scheme 2023. Collection method: clinical testing. Allele origin: germline.